The following is an entry in ClinVar:

ClinVar aggregate classification (germline): Uncertain significance (1 of 4 stars; one submission).

Conditions:
Encephalopathy, acute, infection-induced (herpes-specific), susceptibility to, 6. Also called: Herpes simplex encephalitis, susceptibility to, 4. Identifiers: Orphanet 1930, MedGen C3553869, MONDO:0013921, OMIM 614850.

Allele frequency attached by ClinVar (database versions not stated): gnomAD exomes below 0.00001.

Submission:

Labcorp Genetics (formerly Invitae), Labcorp
Classification: Uncertain significance for Encephalopathy, acute, infection-induced (herpes-specific), susceptibility to, 6. Last evaluated: 2024-10-22. Review status: criteria provided, single submitter. Criteria: Invitae Variant Classification Sherloc (09022015). Collection method: clinical testing. Allele origin: germline.
Comment: This sequence change replaces leucine, which is neutral and non-polar, with methionine, which is neutral and non-polar, at codon 566 of the TICAM1 protein (p.Leu566Met). This variant is not present in population databases (gnomAD no frequency). This variant has not been reported in the literature in individuals affected with TICAM1-related conditions. ClinVar contains an entry for this variant (Variation ID: 1045630). An algorithm developed to predict the effect of missense changes on protein structure and function outputs the following: PolyPhen-2: "Benign". The methionine amino acid residue is found in multiple mammalian species, which suggests that this missense change does not adversely affect protein function. In summary, the available evidence is currently insufficient to determine the role of this variant in disease. Therefore, it has been classified as a Variant of Uncertain Significance.

NM_182919.4(TICAM1):c.1696C>A (p.Leu566Met)

Gene: TICAM1 (TIR domain containing adaptor molecule 1; minus strand). Cytogenetic location: 19p13.3.
Variant type: single nucleotide variant.
Coding change: c.1696C>A on transcript NM_182919.4 (MANE Select); coding-DNA position 1696, C replaced by A.
Protein change: p.Leu566Met; replaces leucine 566 with methionine.
Molecular consequence: missense variant.
Genome position (GRCh38, 1-based): chr19:4,816,682, G>T on the plus strand (C>A on the coding strand, the complement: TICAM1 is on the minus strand). VCF-style: chr19-4816682-G-T. GRCh37 (hg19) VCF-style: chr19-4816694-G-T.
Other names: c.1654C>A, p.Leu552Met (NM_001385678.1); c.1561C>A, p.Leu521Met (NM_001385679.1); c.1054C>A, p.Leu352Met (NM_001385680.1); short protein forms L552M, L566M, L352M, L521M.
Identifiers: ClinVar variation 1045630 (VCV001045630.9), dbSNP rs2093585998, ClinGen allele CA403489029.